The following is an entry in ClinVar:

NM_014956.5(CEP164):c.2284-2A>G

Gene: CEP164 (centrosomal protein 164; plus strand). Cytogenetic location: 11q23.3.
Variant type: single nucleotide variant.
Coding change: c.2284-2A>G on transcript NM_014956.5 (MANE Select); the canonical splice acceptor site of the intron before coding-DNA position 2284, A replaced by G.
Molecular consequence: splice acceptor variant.
Genome position (GRCh38, 1-based): chr11:117,392,224, A>G. VCF-style: chr11-117392224-A-G. GRCh37 (hg19) VCF-style: chr11-117262940-A-G.
Other names: c.2293-2A>G (NM_001271933.2, NM_001440949.1); c.2125-2A>G (NM_001440972.1); c.2146-2A>G (NM_001440967.1, NM_001440961.1); c.2197-2A>G (NM_001440956.1, NM_001440957.1); c.2284-2A>G (NM_001440950.1, NM_001440953.1, NM_001440951.1); c.2137-2A>G (NM_001440962.1, NM_001440970.1, NM_001440964.1 and 4 more transcripts); c.1927-2A>G (NM_001440990.1, NM_001440984.1); c.2119-2A>G (NM_001440952.1, NM_001440968.1, NM_001440969.1); and 7 more.
Identifiers: ClinVar variation 4993656 (VCV004993656.1).

ClinVar aggregate classification (germline): Uncertain significance (1 of 4 stars; one submission).

Conditions:
CEP164-related disorder. Also called: CEP164-related condition.

gnomAD v4.1: 1 of 1,597,650 alleles (0.000063%); no homozygotes.

Submission:

PreventionGenetics, part of Exact Sciences
Classification: Uncertain significance for CEP164-related condition. Last evaluated: 2026-02-04. Review status: criteria provided, single submitter. Criteria: ACMG Guidelines, 2015. Collection method: clinical testing. Allele origin: germline.
Comment: The CEP164 c.2284-2A>G variant is predicted to disrupt the AG splice acceptor site and interfere with normal splicing. Although we cannot predict the impact of this variant on splicing, skipping of the exon adjacent to this splice acceptor would lead to an in-frame deletion of ~26 amino acids. To our knowledge, this variant has not been reported in the literature or in a large population database (gnomAD), indicating this variant is rare. Although we suspect that this variant may be pathogenic, at this time, the clinical significance of this variant is uncertain due to the absence of conclusive functional and genetic evidence.